The following is an entry in ClinVar:

NM_012434.5(SLC17A5):c.992_995delinsAT (p.Ser331fs)

Gene: SLC17A5 (solute carrier family 17 member 5; minus strand). Cytogenetic location: 6q13.
Variant type: Indel.
Coding change: c.992_995delinsAT on transcript NM_012434.5 (MANE Select); coding-DNA positions 992 to 995, CTTC replaced by AT.
Protein change: p.Ser331fs; shifts the reading frame from serine 331.
Molecular consequence: frameshift variant.
Genome position (GRCh38, 1-based): chr6:73,615,431-73,615,434, GAAG replaced by AT on the plus strand (CTTC replaced by AT on the coding strand, the reverse complement: SLC17A5 is on the minus strand). VCF-style: chr6-73615431-GAAG-AT. GRCh37 (hg19) VCF-style: chr6-74325154-GAAG-AT.
Other names: c.761_764delinsAT, p.Ser254fs (NM_001382629.1); c.992_995delinsAT, p.Ser331fs (NM_001382630.1, NM_001382633.1); c.1013_1016delinsAT, p.Ser338fs (NM_001382631.1); c.905_908delinsAT, p.Ser302fs (NM_001382632.1); c.833_836delinsAT, p.Ser278fs (NM_001382634.1); c.989_992delinsAT, p.Ser330fs (NM_001382635.1); c.674_677delinsAT, p.Ser225fs (NM_001382636.1); short protein forms S225fs, S254fs, S278fs, S302fs, S330fs, S331fs, S338fs.
Identifiers: ClinVar variation 1725306 (VCV001725306.3), dbSNP rs2533429681, ClinGen allele CA2580075769.
Genomic context (GRCh38, chr6:73,615,431, plus strand): 5'-AAATTGTCAGCAGCTTGACCAGACAGGATCATACATAACCAAGAGCCTAAATAAGGCAAT[GAAG>AT]ATAAAAACCCATTCTGGAAGGAATAAGAAGATACAGGATTAATTACGGTGAGAGAAAAAA-3'

ClinVar aggregate classification (germline): Likely pathogenic (1 of 4 stars; one submission).

Conditions:
Sialic acid storage disease, severe infantile type (ISSD). Also called: INFANTILE SIALIC ACID STORAGE DISORDER; N-ACETYLNEURAMINIC ACID STORAGE DISEASE; NANA STORAGE DISEASE; SIALURIA, INFANTILE FORM; Infantile Sialic Acid Storage Disease; Free sialic acid storage disease, infantile form. Identifiers: Orphanet 309324, Orphanet 834, MedGen C1096902, MONDO:0010027, OMIM 269920.

Submission:

Myriad Genetics, Inc.
Classification: Likely pathogenic for Sialic acid storage disease, severe infantile type. Last evaluated: 2022-03-15. Review status: criteria provided, single submitter. Criteria: Myriad Autosomal Dominant, Autosomal Recessive and X-Linked Classification Criteria (2023). Collection method: clinical testing. Allele origin: unknown.
Comment: NM_012434.4(SLC17A5):c.992_995delCTTCinsAT(S331Yfs*19) is expected to be pathogenic in the context of free sialic acid storage disorders. This variant is predicted to lead to an abnormal or absent protein product due to the creation of a premature termination codon in SLC17A5, a gene where loss-of-function variants are known to be pathogenic. Please note: this variant was assessed in the context of healthy population screening.